The following is an entry in ClinVar:

ClinVar aggregate classification (germline): Conflicting classifications of pathogenicity. Review status: criteria provided, conflicting classifications (1 of 4 stars). 9 submissions from 9 submitters: Pathogenic (2); Likely pathogenic (4); Uncertain significance (2). 1 of the submissions does not count toward it. Last evaluated 2026-06-08.

Conditions:
Cryptophthalmos syndrome. Also called: Fraser syndrome. Identifiers: Orphanet 2052, MedGen C0265233, MONDO:0009046.
Congenital anomaly of kidney and urinary tract. Also called: Congenital anomalies of kidney and urinary tract; Congenital anomalies of the kidney and urinary tract. Identifiers: Orphanet 93545, MedGen C1968949, MeSH C566906, MONDO:0019719.
Fraser syndrome 1 (FRASRS1). Also called: CRYPTOPHTHALMOS WITH OTHER MALFORMATIONS. Identifiers: Orphanet 2052, MedGen C4551480, MONDO:0054737, OMIM 219000.

Allele frequency attached by ClinVar (database versions not stated): gnomAD exomes 0.00001 and 0.00005; gnomAD 0.00005 and 0.00004; 1000 Genomes Project 0.00040; ExAC 0.00005; TOPMed 0.00002; 1000 Genomes Project 30x 0.00031.
gnomAD v4.1: 35 of 1,605,716 alleles (0.0022%); highest among the groups gnomAD compares: East Asian, 0.04%; no homozygotes.

Submissions (10):

Women's Health and Genetics/Laboratory Corporation of America, LabCorp
Classification: Likely pathogenic for Fraser syndrome 1. Last evaluated: 2026-06-08. Review status: criteria provided, single submitter. Criteria: LabCorp Variant Classification Summary - May 2015. Collection method: clinical testing. Allele origin: germline.
Comment: Variant summary: FRAS1 c.4843+2T>C is located in a canonical splice-site and is predicted to affect mRNA splicing resulting in a significantly altered protein due to either exon skipping, shortening, or inclusion of intronic material. Variants that disrupt the consensus splice site are a relatively common cause of aberrant splicing and loss of FRAS1 function. Several computational tools predict a significant impact on normal splicing: Three predict the variant abolishes a 5' splicing donor site. One predict the variant no significant impact on splicing. However, these predictions have yet to be confirmed by functional studies. The variant allele was found at a frequency of 5.1e-05 in 236870 control chromosomes. This frequency is not significantly higher than estimated for disease-causing variants in FRAS1, allowing no conclusion about variant significance. c.4843+2T>C has been observed in individual(s) affected with FRAS1-related conditions, without evidence for causality. To our knowledge, no experimental evidence demonstrating an impact on protein function has been reported. The following publications have been ascertained in the context of this evaluation (PMID: 28844315, 34246755). ClinVar contains an entry for this variant (Variation ID: 988192). Based on the evidence outlined above, the variant was classified as likely pathogenic.

Victorian Clinical Genetics Services, Murdoch Childrens Research Institute
Classification: Pathogenic for Fraser syndrome 1. Last evaluated: 2026-03-03. Review status: criteria provided, single submitter. Criteria: ACMG Guidelines, 2015. Collection method: clinical testing. Allele origin: germline. Affected: no.
Comment: This variant is classified as Pathogenic. Evidence in support of pathogenic classification: Canonical splice site variant without proven consequence on splicing (no functional evidence available); Variant is present in gnomAD <0.01 for a recessive condition (v4: 35 heterozygote(s), 0 homozygote(s)). - This variant has strong previous evidence of pathogenicity in unrelated individuals. This variant has been classified as likely pathogenic or pathogenic, and once as a VUS by clinical laboratories in ClinVar. It has also been reported in the literature in a fetus with ultrasound abnormalities and classified as likely pathogenic (PMID: 34246755); Another canonical splice site variant comparable to the one identified in this case has limited previous evidence for pathogenicity. The c.4843+1G>T variant has been classified as likely pathogenic once by a clinical laboratory in ClinVar; Abnormal splicing is predicted by in silico tool and affected nucleotide is highly conserved. Additional information: This variant is heterozygous; This gene is associated with autosomal recessive disease; No published evidence of segregation with disease has been identified for this variant; No published functional evidence has been identified for this variant; Loss of function is a known mechanism of disease in this gene and is associated with Fraser syndrome 1 (MIM#219000) - Variants in this gene are known to have variable expressivity, with intrafamilial variability reported (PMID: 35595450); Inheritance information for this variant is not currently available in this individual.

Labcorp Genetics (formerly Invitae), Labcorp
Classification: Likely pathogenic. Last evaluated: 2026-01-25. Review status: criteria provided, single submitter. Criteria: Invitae Variant Classification Sherloc (09022015). Collection method: clinical testing. Allele origin: germline.
Comment: This sequence change affects a donor splice site in intron 36 of the FRAS1 gene. It is expected to disrupt RNA splicing. Variants that disrupt the donor or acceptor splice site typically lead to a loss of protein function (PMID: 16199547), and loss-of-function variants in FRAS1 are known to be pathogenic (PMID: 12766769, 18671281). This variant is present in population databases (rs370018000, gnomAD 0.08%). This variant has not been reported in the literature in individuals affected with FRAS1-related conditions. ClinVar contains an entry for this variant (Variation ID: 988192). Algorithms developed to predict the effect of sequence changes on RNA splicing suggest that this variant may disrupt the consensus splice site. In summary, the currently available evidence indicates that the variant is pathogenic, but additional data are needed to prove that conclusively. Therefore, this variant has been classified as Likely Pathogenic.

Blueprint Genetics
Classification: Uncertain significance. Last evaluated: 2024-11-08. Review status: criteria provided, single submitter. Criteria: ACMG Guidelines, 2015. Collection method: clinical testing. Allele origin: germline.

3billion
Classification: Pathogenic for Fraser syndrome 1. Last evaluated: 2024-06-12. Review status: criteria provided, single submitter. Criteria: ACMG Guidelines, 2015. Collection method: clinical testing. Allele origin: germline. Affected: yes.
Comment: The variant is observed at an extremely low frequency in the gnomAD v4.0.0 dataset (total allele frequency: 0.002%). Predicted Consequence/Location: Canonical splice site: predicted to alter splicing and result in a loss or disruption of normal protein function. Multiple pathogenic loss-of-function variants are reported downstream of the variant. In silico tools predict the variant to alter splicing and produce an abnormal transcript [SpliceAI: 0.97 (spliceogenicity >=0.2, non-spliceogenicity <0.1)]. The variant has been reported to be associated with FRAS1 related disorder (ClinVar ID: VCV000988192). Therefore, this variant is classified as Pathogenic according to the recommendation of ACMG/AMP guideline.

Fulgent Genetics
Classification: Likely pathogenic for Fraser syndrome 1. Last evaluated: 2024-05-10. Review status: criteria provided, single submitter. Criteria: ACMG Guidelines, 2015. Collection method: clinical testing. Allele origin: germline.

Department of Pathology and Laboratory Medicine, Sinai Health System
Classification: Likely pathogenic for Fraser syndrome. Last evaluated: 2022-11-10. Review status: criteria provided, single submitter. Criteria: ACMG Guidelines, 2015. Collection method: research. Allele origin: germline.

GeneDx
Classification: Uncertain significance. Last evaluated: 2021-07-02. Review status: criteria provided, single submitter. Criteria: GeneDx Variant Classification Process June 2021. Collection method: clinical testing. Allele origin: germline. Affected: yes.
Comment: Canonical splice site variant expected to result in aberrant splicing, although in the absence of functional evidence the actual effect of this sequence change is unknown.; Has not been previously published as pathogenic or benign to our knowledge; This variant is associated with the following publications: (PMID: 27535533)

Sydney Genome Diagnostics, Children's Hospital Westmead
Classification: Pathogenic for Congenital anomaly of kidney and urinary tract. Last evaluated: 2018-09-06. Review status: no assertion criteria provided. Collection method: clinical testing. Allele origin: unknown. Affected: yes. Observed: 1 variant allele, 1 heterozygote. Not counted in ClinVar's aggregate classification.
Comment: To our knowledge, this variant has not been previously reported in the literature to be associated with dis ease. c.4843+2T>C (rs370018000) has been listed in Exome Aggregation Consortium (ExAC) with a very low allelic frequency (4 out of 74220 alleles). In silico analysis (Alamut Visual v.2.6) predicts that this variant abolishes the splice donor site and it is considered to be pathogenic.

Dr. Peter K. Rogan Lab, Western University
No classification provided (evidence only). Condition: Clear cell carcinoma of kidney. Review status: no classification provided. Collection method: in vitro. Allele origin: not applicable. Functional consequence: retained intron. Not counted in ClinVar's aggregate classification.

Literature cited by the submitters: PubMed 28844315 (cited by Women's Health and Genetics/Laboratory Corporation of America, LabCorp); PubMed 34246755 (cited by Women's Health and Genetics/Laboratory Corporation of America, LabCorp and Victorian Clinical Genetics Services, Murdoch Childrens Research Institute); PubMed 35595450 (cited by Victorian Clinical Genetics Services, Murdoch Childrens Research Institute); PubMed 16199547 (cited by Labcorp Genetics (formerly Invitae), Labcorp); PubMed 12766769 (cited by Labcorp Genetics (formerly Invitae), Labcorp); PubMed 18671281 (cited by Labcorp Genetics (formerly Invitae), Labcorp).

NM_025074.7(FRAS1):c.4843+2T>C

Gene: FRAS1 (Fraser extracellular matrix complex subunit 1; plus strand). Cytogenetic location: 4q21.21.
Variant type: single nucleotide variant.
Coding change: c.4843+2T>C on transcript NM_025074.7 (MANE Select); the canonical splice donor site of the intron after coding-DNA position 4843, T replaced by C.
Molecular consequence: splice donor variant.
Genome position (GRCh38, 1-based): chr4:78,429,228, T>C. VCF-style: chr4-78429228-T-C. GRCh37 (hg19) VCF-style: chr4-79350382-T-C.
Other names: c.4843+2T>C (NM_001166133.2).
Identifiers: ClinVar variation 988192 (VCV000988192.16), dbSNP rs370018000, ClinGen allele CA2977338.